The following is an entry in ClinVar:

ClinVar aggregate classification (germline): Uncertain significance (1 of 4 stars; one submission).

Conditions:
TTN-related disorder. Also called: TTN-related disorders; TTN-related condition; TTN-related disease.

gnomAD v4.1: 10 of 1,597,132 alleles (0.00063%); highest among the groups gnomAD compares: South Asian, 0.0099%; no homozygotes.

Submission:

PreventionGenetics, part of Exact Sciences
Classification: Uncertain significance for TTN-related condition. Last evaluated: 2026-03-19. Review status: criteria provided, single submitter. Criteria: ACMG Guidelines, 2015. Collection method: clinical testing. Allele origin: germline.
Comment: The TTN c.35585T>C variant is predicted to result in the amino acid substitution p.Val11862Ala. To our knowledge, this variant has not been reported in the literature. This variant is reported in 0.0066% of alleles in individuals of South Asian descent in gnomAD. At this time, the clinical significance of this variant is uncertain due to the absence of conclusive functional and genetic evidence.

NM_001267550.2(TTN):c.35585T>C (p.Val11862Ala)

Gene: TTN (titin; minus strand). Cytogenetic location: 2q31.2.
Variant type: single nucleotide variant.
Coding change: c.35585T>C on transcript NM_001267550.2 (MANE Select); coding-DNA position 35585, T replaced by C.
Protein change: p.Val11862Ala; replaces valine 11862 with alanine.
Molecular consequence: missense variant. On other transcripts: intron variant (5).
Genome position (GRCh38, 1-based): chr2:178,667,682, A>G on the plus strand (T>C on the coding strand, the complement: TTN is on the minus strand). VCF-style: chr2-178667682-A-G. GRCh37 (hg19) VCF-style: chr2-179532409-A-G.
Other names: c.13283-25365T>C (NM_003319.4); c.13859-25365T>C (NM_133437.4); c.13658-25365T>C (NM_133432.3); c.31483+2536T>C (NM_133378.4); c.34264+2536T>C (NM_001256850.1); short protein forms V11862A.
Identifiers: ClinVar variation 4988925 (VCV004988925.1).